The following is an entry in ClinVar:

NM_001018115.3(FANCD2):c.1601A>T (p.Tyr534Phe)

Genes: FANCD2 (FA complementation group D2; plus strand), LOC107303338 (3p25 FANCD2 Alu-mediated recombination region; plus strand). Cytogenetic location: 3p25.3.
Variant type: single nucleotide variant.
Coding change: c.1601A>T on transcript NM_001018115.3 (MANE Select); coding-DNA position 1601, A replaced by T.
Protein change: p.Tyr534Phe; replaces tyrosine 534 with phenylalanine.
Molecular consequence: missense variant. On other transcripts: intron variant (1).
Genome position (GRCh38, 1-based): chr3:10,052,442, A>T. VCF-style: chr3-10052442-A-T. GRCh37 (hg19) VCF-style: chr3-10094126-A-T.
Other names: c.1601A>T, p.Tyr534Phe (NM_001319984.2, NM_001374254.1, NM_033084.6); c.1545+2937A>T (NM_001374253.1); short protein forms Y534F.
Identifiers: ClinVar variation 1692034 (VCV001692034.4), dbSNP rs143701205, ClinGen allele CA2249723.

ClinVar aggregate classification (germline): Uncertain significance. Review status: criteria provided, multiple submitters, no conflicts (2 of 4 stars). 3 submissions from 3 submitters: Uncertain significance (3). Last evaluated 2022-08-23.

Conditions:
Fanconi anemia (FA). Also called: Fanconi's anemia. Identifiers: Orphanet 84, MedGen C0015625, MeSH D005199, MONDO:0019391.
Fanconi anemia complementation group D2. Also called: FANCD2-Related Fanconi Anemia; FANCONI PANCYTOPENIA, TYPE 4; FANCONI ANEMIA, COMPLEMENTATION GROUP D. Identifiers: Orphanet 84, MedGen C3160738, MONDO:0009214, OMIM 227646.

gnomAD v4.1: 16 of 1,612,892 alleles (0.00099%); highest among the groups gnomAD compares: Non-Finnish European, 0.0014%; no homozygotes.

Submissions (3):

Labcorp Genetics (formerly Invitae), Labcorp
Classification: Uncertain significance for Fanconi anemia. Last evaluated: 2022-08-23. Review status: criteria provided, single submitter. Criteria: Invitae Variant Classification Sherloc (09022015). Collection method: clinical testing. Allele origin: germline.
Comment: This sequence change replaces tyrosine, which is neutral and polar, with phenylalanine, which is neutral and non-polar, at codon 534 of the FANCD2 protein (p.Tyr534Phe). This variant is present in population databases (rs143701205, gnomAD 0.004%). This variant has not been reported in the literature in individuals affected with FANCD2-related conditions. ClinVar contains an entry for this variant (Variation ID: 1692034). Algorithms developed to predict the effect of missense changes on protein structure and function (SIFT, PolyPhen-2, Align-GVGD) all suggest that this variant is likely to be tolerated. In summary, the available evidence is currently insufficient to determine the role of this variant in disease. Therefore, it has been classified as a Variant of Uncertain Significance.

Fulgent Genetics
Classification: Uncertain significance for Fanconi anemia complementation group D2. Last evaluated: 2022-04-10. Review status: criteria provided, single submitter. Criteria: ACMG Guidelines, 2015. Collection method: clinical testing. Allele origin: unknown.

Sema4
Classification: Uncertain significance for Fanconi anemia. Last evaluated: 2022-03-08. Review status: criteria provided, single submitter. Criteria: Sema4 Curation Guidelines. Collection method: curation. Allele origin: germline.
Comment: The FANCD2 c.1601A>T (p.Y534F) variant has not been reported in the literature to our knowledge. It was observed in 4/113736 chromosomes of the non-Finnish European subpopulation in the Genome Aggregation Database (PMID: 32461654). The variant has not been reported in ClinVar. In silico tools suggest the impact of the variant on protein function is benign, though these predictions have not been confirmed by functional studies. The evidence is insufficient to meet ACMG/AMP criteria for classifying the variant as benign or pathogenic. Thus, the clinical significance of this variant is currently uncertain.